The following is an entry in ClinVar:

NM_021922.3(FANCE):c.-100C>T

Genes: FANCE (FA complementation group E; plus strand), LOC129996245 (ATAC-STARR-seq lymphoblastoid silent region 17092; plus strand). Cytogenetic location: 6p21.31.
Variant type: single nucleotide variant.
Coding change: c.-100C>T on transcript NM_021922.3 (MANE Select); 100 bases upstream of the start codon, C replaced by T.
Molecular consequence: 5 prime UTR variant.
Genome position (GRCh38, 1-based): chr6:35,452,446, C>T. VCF-style: chr6-35452446-C-T. GRCh37 (hg19) VCF-style: chr6-35420223-C-T.
Identifiers: ClinVar variation 356438 (VCV000356438.8), dbSNP rs374493565, ClinGen allele CA10626667.

ClinVar aggregate classification (germline): Conflicting classifications of pathogenicity. Review status: criteria provided, conflicting classifications (1 of 4 stars). 3 submissions from 3 submitters: Uncertain significance (1); Likely benign (2). Last evaluated 2024-09-20.

Conditions:
Fanconi anemia complementation group E (FANCE). Also called: FANCE-Related Fanconi Anemia. Identifiers: Orphanet 84, MedGen C3160739, MONDO:0010953, OMIM 600901.

Allele frequency attached by ClinVar (database versions not stated): gnomAD exomes 0.00001; gnomAD 0.00013; TOPMed 0.00014.
gnomAD v4.1: 44 of 1,145,766 alleles (0.0038%); highest among the groups gnomAD compares: African/African-American, 0.032%; no homozygotes.

Submissions (3):

3billion
Classification: Likely benign for Fanconi anemia complementation group E. Last evaluated: 2024-09-20. Review status: criteria provided, single submitter. Criteria: ACMG Guidelines, 2015. Collection method: clinical testing. Allele origin: germline. Affected: no.
Comment: The homozygous variant was found in patients diagnosed with another variant in a different gene, with no symptoms related to the gene containing the homozygous variant.

Fulgent Genetics
Classification: Likely benign for Fanconi anemia complementation group E. Last evaluated: 2024-05-07. Review status: criteria provided, single submitter. Criteria: ACMG Guidelines, 2015. Collection method: clinical testing. Allele origin: germline.

Illumina Laboratory Services, Illumina
Classification: Uncertain significance for Fanconi anemia complementation group E. Last evaluated: 2018-01-13. Review status: criteria provided, single submitter. Criteria: ICSL Variant Classification Criteria 13 December 2019. Collection method: clinical testing. Allele origin: germline.